The following is an entry in ClinVar:

NM_016239.4(MYO15A):c.8114G>A (p.Ser2705Asn)

Gene: MYO15A (myosin XVA; plus strand). Cytogenetic location: 17p11.2.
Variant type: single nucleotide variant.
Coding change: c.8114G>A on transcript NM_016239.4 (MANE Select); coding-DNA position 8114, G replaced by A.
Protein change: p.Ser2705Asn; replaces serine 2705 with asparagine.
Molecular consequence: missense variant.
Genome position (GRCh38, 1-based): chr17:18,154,156, G>A. VCF-style: chr17-18154156-G-A. GRCh37 (hg19) VCF-style: chr17-18057470-G-A.
Other names: short protein forms S2705N.
Identifiers: ClinVar variation 2340919 (VCV002340919.3), dbSNP rs1240497254, ClinGen allele CA398625208.

ClinVar aggregate classification (germline): Uncertain significance. Review status: criteria provided, multiple submitters, no conflicts (2 of 4 stars). 2 submissions from 2 submitters: Uncertain significance (2). Last evaluated 2024-05-31.

Conditions:
Inborn genetic diseases. Identifiers: MedGen C0950123, MeSH D030342.

Allele frequency attached by ClinVar (database versions not stated): gnomAD exomes below 0.00001; gnomAD 0.00001; TOPMed 0.00001.

Submissions (2):

GeneDx
Classification: Uncertain significance. Last evaluated: 2024-05-31. Review status: criteria provided, single submitter. Criteria: GeneDx Variant Classification Process June 2021. Collection method: clinical testing. Allele origin: germline. Affected: yes.
Comment: Not observed at significant frequency in large population cohorts (gnomAD); In silico analysis indicates that this missense variant does not alter protein structure/function; Has not been previously published as pathogenic or benign to our knowledge

Ambry Genetics
Classification: Uncertain significance for Inborn genetic diseases. Last evaluated: 2022-12-28. Review status: criteria provided, single submitter. Criteria: Ambry Variant Classification Scheme 2023. Collection method: clinical testing. Allele origin: germline.